The following is an entry in ClinVar:

ClinVar aggregate classification (germline): Uncertain significance (1 of 4 stars; one submission).

Allele frequency attached by ClinVar (database versions not stated): gnomAD exomes below 0.00001; TOPMed below 0.00001; ExAC 0.00001; gnomAD 0.00001.
gnomAD v4.1: 3 of 1,609,812 alleles (0.00019%); highest among the groups gnomAD compares: African/African-American, 0.0027%; no homozygotes.

Submission:

Labcorp Genetics (formerly Invitae), Labcorp
Classification: Uncertain significance. Last evaluated: 2023-03-16. Review status: criteria provided, single submitter. Criteria: Invitae Variant Classification Sherloc (09022015). Collection method: clinical testing. Allele origin: germline.
Comment: This variant is present in population databases (rs746997455, gnomAD 0.008%). This sequence change replaces proline, which is neutral and non-polar, with leucine, which is neutral and non-polar, at codon 819 of the MYLK3 protein (p.Pro819Leu). This variant has not been reported in the literature in individuals affected with MYLK3-related conditions. In summary, the available evidence is currently insufficient to determine the role of this variant in disease. Therefore, it has been classified as a Variant of Uncertain Significance. An algorithm developed to predict the effect of missense changes on protein structure and function (PolyPhen-2) suggests that this variant is likely to be disruptive. ClinVar contains an entry for this variant (Variation ID: 1937320).

NM_182493.3(MYLK3):c.2456C>T (p.Pro819Leu)

Gene: MYLK3 (myosin light chain kinase 3; minus strand). Cytogenetic location: 16q11.2.
Variant type: single nucleotide variant.
Coding change: c.2456C>T on transcript NM_182493.3 (MANE Select); coding-DNA position 2456, C replaced by T.
Protein change: p.Pro819Leu; replaces proline 819 with leucine.
Molecular consequence: missense variant.
Genome position (GRCh38, 1-based): chr16:46,707,708, G>A on the plus strand (C>T on the coding strand, the complement: MYLK3 is on the minus strand). VCF-style: chr16-46707708-G-A. GRCh37 (hg19) VCF-style: chr16-46741620-G-A.
Other names: c.1433C>T, p.Pro478Leu (NM_001308301.1); short protein forms P819L, P478L.
Identifiers: ClinVar variation 1937320 (VCV001937320.5), dbSNP rs746997455, ClinGen allele CA8037591.